The following is an entry in ClinVar:

ClinVar aggregate classification (germline): Uncertain significance. Review status: criteria provided, multiple submitters, no conflicts (2 of 4 stars). 2 submissions from 2 submitters: Uncertain significance (2). Last evaluated 2025-04-18.

Conditions:
Inborn genetic diseases. Identifiers: MedGen C0950123, MeSH D030342.

Allele frequency attached by ClinVar (database versions not stated): gnomAD exomes 0.00007 and 0.00008; ExAC 0.00007.
gnomAD v4.1: 129 of 1,613,608 alleles (0.008%); highest among the groups gnomAD compares: East Asian, 0.027%; no homozygotes.

Submissions (2):

Ambry Genetics
Classification: Uncertain significance for Inborn genetic diseases. Last evaluated: 2025-04-18. Review status: criteria provided, single submitter. Criteria: Ambry Variant Classification Scheme 2023. Collection method: clinical testing. Allele origin: germline.

GeneDx
Classification: Uncertain significance. Last evaluated: 2024-02-14. Review status: criteria provided, single submitter. Criteria: GeneDx Variant Classification Process June 2021. Collection method: clinical testing. Allele origin: germline. Affected: yes.
Comment: In silico analysis supports that this missense variant has a deleterious effect on protein structure/function; Has not been previously published as pathogenic or benign to our knowledge

NM_003383.5(VLDLR):c.569C>T (p.Pro190Leu)

Gene: VLDLR (very low density lipoprotein receptor; plus strand). Cytogenetic location: 9p24.2.
Variant type: single nucleotide variant.
Coding change: c.569C>T on transcript NM_003383.5 (MANE Select); coding-DNA position 569, C replaced by T.
Protein change: p.Pro190Leu; replaces proline 190 with leucine.
Molecular consequence: missense variant.
Genome position (GRCh38, 1-based): chr9:2,643,280, C>T. VCF-style: chr9-2643280-C-T. GRCh37 (hg19) VCF-style: chr9-2643280-C-T.
Other names: c.569C>T, p.Pro190Leu (NM_001018056.3); c.446C>T, p.Pro149Leu (NM_001322225.2, NM_001322226.2); short protein forms P149L, P190L.
Identifiers: ClinVar variation 1217613 (VCV001217613.8), dbSNP rs772075122, ClinGen allele CA4964570.